The following is an entry in ClinVar:

ClinVar aggregate classification (germline): Benign. Review status: criteria provided, multiple submitters, no conflicts (2 of 4 stars). 2 submissions from 2 submitters: Benign (2). Last evaluated 2018-01-13.

Conditions:
NAFLD1 (FLD1). Also called: FATTY LIVER DISEASE, SUSCEPTIBILITY TO, 1; Fatty liver disease, nonalcoholic 1. Identifiers: MedGen C2750440, MONDO:0021105, OMIM 613282.

Allele frequency attached by ClinVar (database versions not stated): gnomAD exomes 0.16706; gnomAD 0.20072 and 0.20521; TOPMed 0.21651; 1000 Genomes Project 0.26138; 1000 Genomes Project 30x 0.26187.
gnomAD v4.1: 40,890 of 210,658 alleles (19%); highest among the groups gnomAD compares: East Asian, 39%; 4,788 homozygotes.

Submissions (2):

Illumina Laboratory Services, Illumina
Classification: Benign for NAFLD1. Last evaluated: 2018-01-13. Review status: criteria provided, single submitter. Criteria: ICSL Variant Classification Criteria 13 December 2019. Collection method: clinical testing. Allele origin: germline.
Comment: This variant was observed in the ICSL laboratory as part of a predisposition screen in an ostensibly healthy population. It had not been previously curated by ICSL or reported in the Human Gene Mutation Database (HGMD: prior to June 1st, 2018), and was therefore a candidate for classification through an automated scoring system. Utilizing variant allele frequency, disease prevalence and penetrance estimates, and inheritance mode, an automated score was calculated to assess if this variant is too frequent to cause the disease. Based on the score and internal cut-off values, a variant classified as benign is not then subjected to further curation. The score for this variant resulted in a classification of benign for this disease.

Breakthrough Genomics
Classification: Benign. Review status: criteria provided, single submitter. Criteria: ACMG Guidelines, 2015. Collection method: not provided. Allele origin: germline. Inheritance: Unknown mechanism. Affected: yes.

NM_025225.3(PNPLA3):c.*707T>C

Gene: PNPLA3 (patatin like domain 3, 1-acylglycerol-3-phosphate O-acyltransferase; plus strand). Cytogenetic location: 22q13.31.
Variant type: single nucleotide variant.
Coding change: c.*707T>C on transcript NM_025225.3 (MANE Select); 707 bases downstream of the stop codon, T replaced by C.
Molecular consequence: 3 prime UTR variant.
Genome position (GRCh38, 1-based): chr22:43,947,089, T>C. VCF-style: chr22-43947089-T-C. GRCh37 (hg19) VCF-style: chr22-44342969-T-C.
Identifiers: ClinVar variation 341955 (VCV000341955.6), dbSNP rs2008451, ClinGen allele CA10654177.